The following is an entry in ClinVar:

ClinVar aggregate classification (germline): Uncertain significance (1 of 4 stars; one submission).

Conditions:
DICER1-related tumor predisposition. Also called: DICER1 syndrome; DICER1-related pleuropulmonary blastoma cancer predisposition syndrome. Identifiers: Orphanet 284343, MedGen C3839822, MONDO:0100216.

Allele frequency attached by ClinVar (database versions not stated): gnomAD exomes below 0.00001.
gnomAD v4.1: 1 of 1,614,176 alleles (0.000062%); highest among the groups gnomAD compares: Non-Finnish European, 0.000085%; no homozygotes.

Submission:

Labcorp Genetics (formerly Invitae), Labcorp
Classification: Uncertain significance for DICER1-related tumor predisposition. Last evaluated: 2021-07-01. Review status: criteria provided, single submitter. Criteria: Invitae Variant Classification Sherloc (09022015). Collection method: clinical testing. Allele origin: germline.
Comment: In summary, the available evidence is currently insufficient to determine the role of this variant in disease. Therefore, it has been classified as a Variant of Uncertain Significance. Algorithms developed to predict the effect of missense changes on protein structure and function (SIFT, PolyPhen-2, Align-GVGD) all suggest that this variant is likely to be tolerated. This variant has not been reported in the literature in individuals affected with DICER1-related conditions. This variant is not present in population databases (ExAC no frequency). This sequence change replaces proline with serine at codon 1646 of the DICER1 protein (p.Pro1646Ser). The proline residue is highly conserved and there is a moderate physicochemical difference between proline and serine.

NM_177438.3(DICER1):c.4936C>T (p.Pro1646Ser)

Gene: DICER1 (dicer 1, ribonuclease III; minus strand). Cytogenetic location: 14q32.13.
Variant type: single nucleotide variant.
Coding change: c.4936C>T on transcript NM_177438.3 (MANE Select); coding-DNA position 4936, C replaced by T.
Protein change: p.Pro1646Ser; replaces proline 1646 with serine.
Molecular consequence: missense variant.
Genome position (GRCh38, 1-based): chr14:95,095,984, G>A on the plus strand (C>T on the coding strand, the complement: DICER1 is on the minus strand). VCF-style: chr14-95095984-G-A. GRCh37 (hg19) VCF-style: chr14-95562321-G-A.
Other names: c.4936C>T, p.Pro1646Ser (NM_001195573.1, NM_001271282.3, NM_001291628.2 and 1 more transcripts); short protein forms P1646S.
Identifiers: ClinVar variation 1358693 (VCV001358693.8), dbSNP rs2139840189, ClinGen allele CA390866276.